The following is an entry in ClinVar:

NM_002734.5(PRKAR1A):c.330_338dup (p.Tyr113Ter)

Gene: PRKAR1A (protein kinase cAMP-dependent type I regulatory subunit alpha; plus strand). Cytogenetic location: 17q24.2.
Variant type: Duplication.
Coding change: c.330_338dup on transcript NM_002734.5 (MANE Select); coding-DNA positions 330 to 338, 9 bases duplicated (GGCATCCTA; older notation c.330_338dupGGCATCCTA).
Protein change: p.Tyr113Ter; replaces tyrosine 113 with a stop codon.
Molecular consequence: nonsense.
Genome position (GRCh38, 1-based): chr17:68,522,908-68,522,916, GGCATCCTA duplicated. VCF-style (leftmost placement, unchanged base first): chr17-68522907-C-CGGCATCCTA. GRCh37 (hg19) VCF-style: chr17-66519048-C-CGGCATCCTA.
Other names: c.330_338dup, p.Tyr113Ter (NM_001278433.2, NM_001369389.1, NM_001369390.1 and 4 more transcripts); short protein forms Y113*.
Identifiers: ClinVar variation 1069150 (VCV001069150.7), dbSNP rs2143275431, ClinGen allele CA2499224865.

ClinVar aggregate classification (germline): Pathogenic (1 of 4 stars; one submission).

Conditions:
Carney complex, type 1 (CNC1). Also called: CARNEY COMPLEX, TYPE I; CARNEY MYXOMA-ENDOCRINE COMPLEX. Identifiers: Orphanet 1359, MedGen C2607929, MONDO:0008057, OMIM 160980.

Submission:

Labcorp Genetics (formerly Invitae), Labcorp
Classification: Pathogenic for Carney complex, type 1. Last evaluated: 2020-10-07. Review status: criteria provided, single submitter. Criteria: Invitae Variant Classification Sherloc (09022015). Collection method: clinical testing. Allele origin: germline.
Comment: For these reasons, this variant has been classified as Pathogenic. Loss-of-function variants in PRKAR1A are known to be pathogenic (PMID: 11115848, 19293268). This variant has not been reported in the literature in individuals with PRKAR1A-related conditions. This variant is not present in population databases (ExAC no frequency). This sequence change creates a premature translational stop signal (p.Tyr113*) in the PRKAR1A gene. It is expected to result in an absent or disrupted protein product.

Literature cited by the submitters: PubMed 11115848; PubMed 19293268.